The following is an entry in ClinVar:

NM_018130.3(SHQ1):c.1258del (p.Glu420fs)

Gene: SHQ1 (SHQ1, H/ACA ribonucleoprotein assembly factor; minus strand). Cytogenetic location: 3p13.
Variant type: Deletion.
Coding change: c.1258del on transcript NM_018130.3 (MANE Select); coding-DNA position 1258, one base deleted (G; older notation c.1258delG).
Protein change: p.Glu420fs; shifts the reading frame from glutamic acid 420.
Molecular consequence: frameshift variant.
Genome position (GRCh38, 1-based): chr3:72,750,760, C deleted on the plus strand (G on the coding strand, the reverse complement: SHQ1 is on the minus strand); the first of 2 consecutive C bases (chr3:72,750,760-72,750,761); deleting either gives the same sequence. VCF-style (leftmost placement, unchanged base first): chr3-72750759-TC-T. GRCh37 (hg19) VCF-style: chr3-72799910-TC-T.
Other names: short protein forms E420fs.
Identifiers: ClinVar variation 4686360 (VCV004686360.2).

ClinVar aggregate classification (germline): Uncertain significance (1 of 4 stars; one submission).

Submission:

GeneDx
Classification: Uncertain significance. Last evaluated: 2026-01-22. Review status: criteria provided, single submitter. Criteria: GeneDx Variant Classification Process June 2021. Collection method: clinical testing. Allele origin: germline.
Comment: Frameshift variant predicted to result in abnormal protein length as the last 158 amino acid(s) are replaced with 2 different amino acid(s) with an unclear effect on protein function; Not observed at significant frequency in large population cohorts (gnomAD); Has not been previously published as pathogenic or benign to our knowledge